The following is an entry in ClinVar:

NM_002361.4(MAG):c.1393C>T (p.Arg465Cys)

Gene: MAG (myelin associated glycoprotein; plus strand). Cytogenetic location: 19q13.12.
Variant type: single nucleotide variant.
Coding change: c.1393C>T on transcript NM_002361.4 (MANE Select); coding-DNA position 1393, C replaced by T.
Protein change: p.Arg465Cys; replaces arginine 465 with cysteine.
Molecular consequence: missense variant.
Genome position (GRCh38, 1-based): chr19:35,310,035, C>T. VCF-style: chr19-35310035-C-T. GRCh37 (hg19) VCF-style: chr19-35800938-C-T.
Other names: c.1318C>T, p.Arg440Cys (NM_001199216.2); c.1393C>T, p.Arg465Cys (NM_080600.3); short protein forms R465C, R440C.
Identifiers: ClinVar variation 1371244 (VCV001371244.8), dbSNP rs2066514711, ClinGen allele CA405316030.

ClinVar aggregate classification (germline): Uncertain significance (1 of 4 stars; one submission).

Conditions:
Hereditary spastic paraplegia 75. Also called: Spastic paraplegia 75, autosomal recessive. Identifiers: Orphanet 459056, MedGen C4225250, MONDO:0014729, OMIM 616680.

Allele frequency attached by ClinVar (database versions not stated): gnomAD 0.00001.
gnomAD v4.1: 3 of 1,613,778 alleles (0.00019%); highest among the groups gnomAD compares: African/African-American, 0.0013%; no homozygotes.

Submission:

Labcorp Genetics (formerly Invitae), Labcorp
Classification: Uncertain significance for Hereditary spastic paraplegia 75. Last evaluated: 2021-07-26. Review status: criteria provided, single submitter. Criteria: Invitae Variant Classification Sherloc (09022015). Collection method: clinical testing. Allele origin: germline.
Comment: In summary, the available evidence is currently insufficient to determine the role of this variant in disease. Therefore, it has been classified as a Variant of Uncertain Significance. Algorithms developed to predict the effect of missense changes on protein structure and function are either unavailable or do not agree on the potential impact of this missense change (SIFT: "Deleterious"; PolyPhen-2: "Possibly Damaging"; Align-GVGD: "Class C0"). This variant has not been reported in the literature in individuals affected with MAG-related conditions. This variant is not present in population databases (ExAC no frequency). This sequence change replaces arginine with cysteine at codon 465 of the MAG protein (p.Arg465Cys). The arginine residue is highly conserved and there is a large physicochemical difference between arginine and cysteine.